The following is an entry in ClinVar:

NM_001008212.2(OPTN):c.1029A>T (p.Ala343=)

Gene: OPTN (optineurin; plus strand). Cytogenetic location: 10p13.
Variant type: single nucleotide variant.
Coding change: c.1029A>T on transcript NM_001008212.2 (MANE Select); coding-DNA position 1029, A replaced by T.
Protein change: p.Ala343=; no amino-acid change (alanine 343 retained).
Molecular consequence: synonymous variant.
Genome position (GRCh38, 1-based): chr10:13,125,448, A>T. VCF-style: chr10-13125448-A-T. GRCh37 (hg19) VCF-style: chr10-13167448-A-T.
Other names: c.1029A>T, p.Ala343= (NM_001008211.1, NM_001008213.1, NM_021980.4).
Identifiers: ClinVar variation 2640306 (VCV002640306.24), dbSNP rs1833437260, ClinGen allele CA468239907.
Genomic context (GRCh38, chr10:13,125,448, plus strand): 5'-TTATCCTCATGAAATCTTGACCTTTCTTAGGTGTCAGGCCCTTGAAAGGAAAAATTCTGC[A>T]ATTCCATCAGAGTTGAATGAAAAGCAAGAGCTTGTTTATACTAACAAAAAGTTAGAGCTA-3'
Protein context (NP_001008213.1, residues 333-353): KCQALERKNS[Ala343=]IPSELNEKQE

ClinVar aggregate classification (germline): Likely benign (1 of 4 stars; one submission).

Allele frequency attached by ClinVar (database versions not stated): gnomAD exomes below 0.00001; TOPMed below 0.00001; gnomAD 0.00001.
gnomAD v4.1: 2 of 1,614,072 alleles (0.00012%); highest among the groups gnomAD compares: African/African-American, 0.0027%; no homozygotes.

Submission:

CeGaT Center for Human Genetics Tuebingen
Classification: Likely benign. Last evaluated: 2023-06-01. Review status: criteria provided, single submitter. Criteria: CeGaT Center For Human Genetics Tuebingen Variant Classification Criteria Version 2. Collection method: clinical testing. Allele origin: germline. Affected: yes. Observed: 1 variant allele.
Comment: OPTN: BP4, BP7